The following is an entry in ClinVar:

NM_006642.5(SDCCAG8):c.*9G>T

Genes: AKT3 (AKT serine/threonine kinase 3; minus strand), SDCCAG8 (SHH signaling and ciliogenesis regulator SDCCAG8; plus strand). Cytogenetic location: 1q43.
Variant type: single nucleotide variant.
Coding change: c.*9G>T on transcript NM_006642.5 (MANE Select); 9 bases downstream of the stop codon, G replaced by T.
Molecular consequence: 3 prime UTR variant. On other transcripts: intron variant (2).
Genome position (GRCh38, 1-based): chr1:243,499,794, G>T. VCF-style: chr1-243499794-G-T. GRCh37 (hg19) VCF-style: chr1-243663096-G-T.
Other names: c.*5455C>A (NM_001370074.1, NM_005465.7); c.*9G>T (NM_001350246.2, NM_001350247.2, NM_001350248.2 and 2 more transcripts); c.1355-8C>A (NM_181690.2, NM_001206729.2).
Identifiers: ClinVar variation 4994133 (VCV004994133.1).

ClinVar aggregate classification (germline): Likely benign (1 of 4 stars; one submission).

Conditions:
SDCCAG8-related disorder. Also called: SDCCAG8-related condition; SDCCAG8-Related Disorders.

Submission:

PreventionGenetics, part of Exact Sciences
Classification: Likely benign for SDCCAG8-related condition. Last evaluated: 2025-10-23. Review status: criteria provided, single submitter. Criteria: ACMG Guidelines, 2015. Collection method: clinical testing. Allele origin: germline.
Comment: This variant is classified as likely benign based on ACMG/AMP sequence variant interpretation guidelines (Richards et al. 2015 PMID: 25741868, with internal and published modifications).